The following is an entry in ClinVar:

NM_000138.5(FBN1):c.6110A>C (p.Lys2037Thr)

Gene: FBN1 (fibrillin 1; minus strand). Cytogenetic location: 15q21.1.
Variant type: single nucleotide variant.
Coding change: c.6110A>C on transcript NM_000138.5 (MANE Select); coding-DNA position 6110, A replaced by C.
Protein change: p.Lys2037Thr; replaces lysine 2037 with threonine.
Molecular consequence: missense variant.
Genome position (GRCh38, 1-based): chr15:48,441,774, T>G on the plus strand (A>C on the coding strand, the complement: FBN1 is on the minus strand). VCF-style: chr15-48441774-T-G. GRCh37 (hg19) VCF-style: chr15-48733971-T-G.
Other names: c.6110A>C, p.Lys2037Thr (NM_001406716.1); short protein forms K2037T.
Identifiers: ClinVar variation 3075011 (VCV003075011.3), dbSNP rs556131403, ClinGen allele CA056248.

ClinVar aggregate classification (germline): Conflicting classifications of pathogenicity. Review status: criteria provided, conflicting classifications (1 of 4 stars). 3 submissions from 3 submitters: Uncertain significance (2); Likely benign (1). Last evaluated 2026-08-03.

Conditions:
Familial thoracic aortic aneurysm and aortic dissection (TAAD). Also called: Thoracic aortic aneurysms and dissections. Identifiers: Orphanet 91387, MedGen C4707243, MONDO:0019625.
Marfan syndrome (MFS). Also called: MARFAN SYNDROME, TYPE I; Marfan syndrome, classic; FBN1-Related Marfan Syndrome; Marfan syndrome type 1; Marfan's syndrome. Identifiers: Orphanet 284963, Orphanet 558, MedGen C0024796, MONDO:0007947, OMIM 154700.

gnomAD v4.1: 7 of 1,613,772 alleles (0.00043%); highest among the groups gnomAD compares: South Asian, 0.0077%; no homozygotes.

Submissions (3):

Ambry Genetics
Classification: Uncertain significance for Familial thoracic aortic aneurysm and aortic dissection. Last evaluated: 2026-08-03. Review status: criteria provided, single submitter. Criteria: Ambry Variant Classification Scheme 2023. Collection method: clinical testing. Allele origin: germline.
Comment: The p.K2037T variant (also known as c.6110A>C), located in coding exon 49 of the FBN1 gene, results from an A to C substitution at nucleotide position 6110. The lysine at codon 2037 is replaced by threonine, an amino acid with similar properties. This amino acid position is conserved. In addition, the in silico prediction for this alteration is inconclusive. Based on the available evidence, the clinical significance of this variant remains unclear.

Labcorp Genetics (formerly Invitae), Labcorp
Classification: Likely benign for Marfan syndrome; Familial thoracic aortic aneurysm and aortic dissection. Last evaluated: 2025-12-26. Review status: criteria provided, single submitter. Criteria: Invitae Variant Classification Sherloc (09022015). Collection method: clinical testing. Allele origin: germline.

All of Us Research Program, National Institutes of Health
Classification: Uncertain significance for Marfan syndrome. Last evaluated: 2024-01-11. Review status: criteria provided, single submitter. Criteria: ACMG Guidelines, 2015. Collection method: clinical testing. Allele origin: germline. Inheritance: Autosomal dominant inheritance. Observed: 1 variant allele, 1 heterozygote.
Comment: This study involves interpretation of variants in research participants for the purpose of population health screening. Participant phenotype was not available at the time of variant classification. Additional details can be found in publication PMID: 35346344, PMCID: PMC8962531